The following is an entry in ClinVar:

NM_000343.4(SLC5A1):c.665-2A>G

Gene: SLC5A1 (solute carrier family 5 member 1; plus strand). Cytogenetic location: 22q12.3.
Variant type: single nucleotide variant.
Coding change: c.665-2A>G on transcript NM_000343.4 (MANE Select); the canonical splice acceptor site of the intron before coding-DNA position 665, A replaced by G.
Molecular consequence: splice acceptor variant.
Genome position (GRCh38, 1-based): chr22:32,084,437, A>G. VCF-style: chr22-32084437-A-G. GRCh37 (hg19) VCF-style: chr22-32480424-A-G.
Other names: c.284-2A>G (NM_001256314.2).
Identifiers: ClinVar variation 2800411 (VCV002800411.3), dbSNP rs200105615, ClinGen allele CA323375574.
Genomic context (GRCh38, chr22:32,084,437, plus strand): 5'-AAGAAGCTGCTATGACGAGTTGAAGGTTTCAGAATGTTCATTTCTGTACCGATGTTTTCC[A>G]GCTTTTCACGAAGTGGGAGGCTATGACGCCTTCATGGAAAAGTACATGAAAGCCATTCCA-3'

ClinVar aggregate classification (germline): Likely pathogenic (1 of 4 stars; one submission).

Conditions:
Congenital glucose-galactose malabsorption (GGM). Also called: MONOSACCHARIDE MALABSORPTION; DIARRHEA 16. Identifiers: Orphanet 35710, MedGen C0268186, MONDO:0011731, OMIM 606824.

Allele frequency attached by ClinVar (database versions not stated): TOPMed below 0.00001; gnomAD 0.00001; gnomAD exomes 0.00001.
gnomAD v4.1: 21 of 1,613,480 alleles (0.0013%); highest among the groups gnomAD compares: Non-Finnish European, 0.0018%; no homozygotes.

Submission:

Labcorp Genetics (formerly Invitae), Labcorp
Classification: Likely pathogenic for Congenital glucose-galactose malabsorption. Last evaluated: 2024-05-23. Review status: criteria provided, single submitter. Criteria: Invitae Variant Classification Sherloc (09022015). Collection method: clinical testing. Allele origin: germline.
Comment: This sequence change affects an acceptor splice site in intron 7 of the SLC5A1 gene. It is expected to disrupt RNA splicing. Variants that disrupt the donor or acceptor splice site typically lead to a loss of protein function (PMID: 16199547), and loss-of-function variants in SLC5A1 are known to be pathogenic (PMID: 8563765). This variant is present in population databases (rs200105615, gnomAD 0.0008%). This variant has not been reported in the literature in individuals affected with SLC5A1-related conditions. Algorithms developed to predict the effect of sequence changes on RNA splicing suggest that this variant may disrupt the consensus splice site. In summary, the currently available evidence indicates that the variant is pathogenic, but additional data are needed to prove that conclusively. Therefore, this variant has been classified as Likely Pathogenic.

Literature cited by the submitters: PubMed 16199547; PubMed 8563765.